The following is an entry in ClinVar:

ClinVar aggregate classification (germline): Uncertain significance. Review status: criteria provided, multiple submitters, no conflicts (2 of 4 stars). 2 submissions from 2 submitters: Uncertain significance (2). Last evaluated 2023-02-07.

Conditions:
Inborn genetic diseases. Identifiers: MedGen C0950123, MeSH D030342.
PKHD1-related disorder. Also called: PKHD1-related condition.

Allele frequency attached by ClinVar (database versions not stated): ExAC 0.00001; gnomAD exomes 0.00001; TOPMed 0.00001; gnomAD 0.00002.
gnomAD v4.1: 14 of 1,613,450 alleles (0.00087%); highest among the groups gnomAD compares: East Asian, 0.025%; no homozygotes.

Submissions (2):

Ambry Genetics
Classification: Uncertain significance for Inborn genetic diseases. Last evaluated: 2023-02-07. Review status: criteria provided, single submitter. Criteria: Ambry Variant Classification Scheme 2023. Collection method: clinical testing. Allele origin: germline.

PreventionGenetics, part of Exact Sciences
Classification: Uncertain significance for PKHD1-related condition. Last evaluated: 2023-01-24. Review status: criteria provided, single submitter. Criteria: ACMG Guidelines, 2015. Collection method: clinical testing. Allele origin: germline.
Comment: The PKHD1 c.2490T>A variant is predicted to result in the amino acid substitution p.Asn830Lys. To our knowledge, this variant has not been reported in the literature. This variant is reported in 0.040% of alleles in individuals of East Asian descent in gnomAD. At this time, the clinical significance of this variant is uncertain due to the absence of conclusive functional and genetic evidence.

NM_138694.4(PKHD1):c.2490T>A (p.Asn830Lys)

Gene: PKHD1 (PKHD1 ciliary IPT domain containing fibrocystin/polyductin; minus strand). Cytogenetic location: 6p12.2.
Variant type: single nucleotide variant.
Coding change: c.2490T>A on transcript NM_138694.4 (MANE Select); coding-DNA position 2490, T replaced by A.
Protein change: p.Asn830Lys; replaces asparagine 830 with lysine.
Molecular consequence: missense variant.
Genome position (GRCh38, 1-based): chr6:52,046,106, A>T on the plus strand (T>A on the coding strand, the complement: PKHD1 is on the minus strand). VCF-style: chr6-52046106-A-T. GRCh37 (hg19) VCF-style: chr6-51910904-A-T.
Other names: c.2490T>A, p.Asn830Lys (NM_170724.3); short protein forms N830K.
Identifiers: ClinVar variation 2464030 (VCV002464030.3), dbSNP rs780403418, ClinGen allele CA3853196.